The following is an entry in ClinVar:

ClinVar aggregate classification (germline): Uncertain significance (1 of 4 stars; one submission).

Conditions:
Inborn genetic diseases. Identifiers: MedGen C0950123, MeSH D030342.

gnomAD v4.1: 2 of 1,613,502 alleles (0.00012%); highest among the groups gnomAD compares: East Asian, 0.0022%; no homozygotes.

Submission:

Ambry Genetics
Classification: Uncertain significance for Inborn genetic diseases. Last evaluated: 2025-09-22. Review status: criteria provided, single submitter. Criteria: Ambry Variant Classification Scheme 2023. Collection method: clinical testing. Allele origin: germline.
Comment: The p.K1220T variant (also known as c.3659A>C), located in coding exon 1 of the SAMD9 gene, results from an A to C substitution at nucleotide position 3659. The lysine at codon 1220 is replaced by threonine, an amino acid with similar properties. This amino acid position is conserved. In addition, this alteration is predicted to be tolerated by in silico analysis. Based on the available evidence, the clinical significance of this variant remains unclear.

NM_017654.4(SAMD9):c.3659A>C (p.Lys1220Thr)

Gene: SAMD9 (sterile alpha motif domain containing 9; minus strand). Cytogenetic location: 7q21.2.
Variant type: single nucleotide variant.
Coding change: c.3659A>C on transcript NM_017654.4 (MANE Select); coding-DNA position 3659, A replaced by C.
Protein change: p.Lys1220Thr; replaces lysine 1220 with threonine.
Molecular consequence: missense variant.
Genome position (GRCh38, 1-based): chr7:93,102,439, T>G on the plus strand (A>C on the coding strand, the complement: SAMD9 is on the minus strand). VCF-style: chr7-93102439-T-G. GRCh37 (hg19) VCF-style: chr7-92731752-T-G.
Other names: c.3659A>C, p.Lys1220Thr (NM_001193307.2); short protein forms K1220T.
Identifiers: ClinVar variation 4629816 (VCV004629816.1).
Genomic context (GRCh38, chr7:93,102,439, plus strand): 5'-CCTGGAATATCACTACTTCCTGATACAAAATTGACCATATATCTTTTAGATAGCTCATTT[T>G]TATTATCAAAAAAAGGAATGAGCTGGAGAATTTGGATTGTGTAAAGCCCAACTTCTATCT-3'
Protein context (NP_060124.2, residues 1210-1230): ILQLIPFFDN[Lys1220Thr]NELSKRYMVN